The following is an entry in ClinVar:

NM_000829.4(GRIA4):c.2617G>A (p.Val873Ile)

Gene: GRIA4 (glutamate ionotropic receptor AMPA type subunit 4; plus strand). Cytogenetic location: 11q22.3.
Variant type: single nucleotide variant.
Coding change: c.2617G>A on transcript NM_000829.4 (MANE Select); coding-DNA position 2617, G replaced by A.
Protein change: p.Val873Ile; replaces valine 873 with isoleucine.
Molecular consequence: missense variant. On other transcripts: 3 prime UTR variant (1), non-coding transcript variant (1).
Genome position (GRCh38, 1-based): chr11:105,979,647, G>A. VCF-style: chr11-105979647-G-A. GRCh37 (hg19) VCF-style: chr11-105850374-G-A.
Other names: c.*75G>A (NM_001077243.3); short protein forms V873I.
Identifiers: ClinVar variation 1010152 (VCV001010152.10), dbSNP rs1158277612, ClinGen allele CA382305383.

ClinVar aggregate classification (germline): Uncertain significance. Review status: criteria provided, multiple submitters, no conflicts (2 of 4 stars). 3 submissions from 3 submitters: Uncertain significance (3). Last evaluated 2022-07-26.

Conditions:
Inborn genetic diseases. Identifiers: MedGen C0950123, MeSH D030342.

Allele frequency attached by ClinVar (database versions not stated): TOPMed 0.00001.

Submissions (3):

Labcorp Genetics (formerly Invitae), Labcorp
Classification: Uncertain significance. Last evaluated: 2022-07-26. Review status: criteria provided, single submitter. Criteria: Invitae Variant Classification Sherloc (09022015). Collection method: clinical testing. Allele origin: germline.
Comment: Algorithms developed to predict the effect of missense changes on protein structure and function are either unavailable or do not agree on the potential impact of this missense change (SIFT: "Deleterious"; PolyPhen-2: "Benign"; Align-GVGD: "Class C0"). In summary, the available evidence is currently insufficient to determine the role of this variant in disease. Therefore, it has been classified as a Variant of Uncertain Significance. ClinVar contains an entry for this variant (Variation ID: 1010152). This variant has not been reported in the literature in individuals affected with GRIA4-related conditions. This variant is not present in population databases (gnomAD no frequency). This sequence change replaces valine, which is neutral and non-polar, with isoleucine, which is neutral and non-polar, at codon 873 of the GRIA4 protein (p.Val873Ile).

Ambry Genetics
Classification: Uncertain significance for Inborn genetic diseases. Last evaluated: 2022-07-05. Review status: criteria provided, single submitter. Criteria: Ambry Variant Classification Scheme 2023. Collection method: clinical testing. Allele origin: germline.

Women's Health and Genetics/Laboratory Corporation of America, LabCorp
Classification: Uncertain significance. Last evaluated: 2022-05-19. Review status: criteria provided, single submitter. Criteria: LabCorp Variant Classification Summary - May 2015. Collection method: clinical testing. Allele origin: germline.
Comment: Variant summary: GRIA4 c.2617G>A (p.Val873Ile) results in a conservative amino acid change in the encoded protein sequence. Three of five in-silico tools predict a benign effect of the variant on protein function. The variant was absent in 251318 control chromosomes. The available data on variant occurrences in the general population are insufficient to allow any conclusion about variant significance. To our knowledge, no occurrence of c.2617G>A in individuals affected with Neurodevelopmental Disorder With Or Without Seizures And Gait Abnormalities and no experimental evidence demonstrating its impact on protein function have been reported. One clinical diagnostic laboratory has submitted clinical-significance assessments for this variant to ClinVar after 2014 without evidence for independent evaluation and classified the variant as uncertain significance. Based on the evidence outlined above, the variant was classified as uncertain significance.